The following is an entry in ClinVar:

NM_138694.4(PKHD1):c.401C>T (p.Ala134Val)

Gene: PKHD1 (PKHD1 ciliary IPT domain containing fibrocystin/polyductin; minus strand). Cytogenetic location: 6p12.2.
Variant type: single nucleotide variant.
Coding change: c.401C>T on transcript NM_138694.4 (MANE Select); coding-DNA position 401, C replaced by T.
Protein change: p.Ala134Val; replaces alanine 134 with valine.
Molecular consequence: missense variant.
Genome position (GRCh38, 1-based): chr6:52,076,323, G>A on the plus strand (C>T on the coding strand, the complement: PKHD1 is on the minus strand). VCF-style: chr6-52076323-G-A. GRCh37 (hg19) VCF-style: chr6-51941121-G-A.
Other names: c.401C>T, p.Ala134Val (NM_170724.3); c.401C>T (NM_138694.3); short protein forms A134V.
Identifiers: ClinVar variation 594492 (VCV000594492.6), dbSNP rs374645464, ClinGen allele CA3853939.
Genomic context (GRCh38, chr6:52,076,323, plus strand): 5'-GAAGATTTCTTACCTGGAACACCACTTGGTGGATAAACTTGGTGAACGATGGGTGTCTGC[G>A]CCTTGGAAAACTGTTTAGAAAATAGTACCACAAGTGAGCATGTCATTAAAATATTCACAA-3'
Protein context (NP_619639.3, residues 124-144): RDSCTFKFSK[Ala134Val]QTPIVHQVYP

ClinVar aggregate classification (germline): Uncertain significance. Review status: criteria provided, multiple submitters, no conflicts (2 of 4 stars). 2 submissions from 2 submitters: Uncertain significance (2). Last evaluated 2023-05-30.

Allele frequency attached by ClinVar (database versions not stated): ESP Exome Variant Server 0.00015; gnomAD exomes 0.00003; TOPMed 0.00001; ExAC 0.00003.
gnomAD v4.1: 34 of 1,612,102 alleles (0.0021%); highest among the groups gnomAD compares: Middle Eastern, 0.017%; no homozygotes.

Submissions (2):

GeneDx
Classification: Uncertain significance. Last evaluated: 2023-05-30. Review status: criteria provided, single submitter. Criteria: GeneDx Variant Classification Process June 2021. Collection method: clinical testing. Allele origin: germline. Affected: yes.
Comment: Not observed at significant frequency in large population cohorts (gnomAD); In silico analysis supports that this missense variant does not alter protein structure/function; Has not been previously published as pathogenic or benign to our knowledge

Eurofins Ntd Llc (ga)
Classification: Uncertain significance. Last evaluated: 2017-10-12. Review status: criteria provided, single submitter. Criteria: EGL Classification Definitions 2015. Collection method: clinical testing. Allele origin: germline. Observed: 1 variant allele, 1 heterozygote.